The following is an entry in ClinVar:

ClinVar aggregate classification (germline): Benign. Review status: criteria provided, multiple submitters, no conflicts (2 of 4 stars). 3 submissions from 3 submitters: Benign (2). 1 of the submissions does not count toward it. Last evaluated 2026-01-28.

Conditions:
ASCC1-related disorder. Also called: ASCC1-related condition; ASCC1-Related Disorders.

Allele frequency attached by ClinVar (database versions not stated): gnomAD exomes 0.00160; ExAC 0.00176; gnomAD 0.00789 and 0.00854; 1000 Genomes Project 0.00819; TOPMed 0.00876; 1000 Genomes Project 30x 0.00921.
gnomAD v4.1: 2,295 of 1,550,328 alleles (0.15%); highest among the groups gnomAD compares: African/African-American, 2.7%; 29 homozygotes.

Submissions (3):

Labcorp Genetics (formerly Invitae), Labcorp
Classification: Benign. Last evaluated: 2026-01-28. Review status: criteria provided, single submitter. Criteria: Invitae Variant Classification Sherloc (09022015). Collection method: clinical testing. Allele origin: germline.

Breakthrough Genomics
Classification: Benign. Review status: criteria provided, single submitter. Criteria: ACMG Guidelines, 2015. Collection method: not provided. Allele origin: germline. Inheritance: Autosomal recessive inheritance. Affected: yes.

PreventionGenetics, part of Exact Sciences
Classification: Benign for ASCC1-related condition. Last evaluated: 2024-02-13. Review status: no assertion criteria provided. Collection method: clinical testing. Allele origin: germline. Not counted in ClinVar's aggregate classification.
Comment: This variant is classified as benign based on ACMG/AMP sequence variant interpretation guidelines (Richards et al. 2015 PMID: 25741868, with internal and published modifications).

NM_001198800.3(ASCC1):c.213-956G>A

Gene: ASCC1 (activating signal cointegrator 1 complex subunit 1; minus strand). Cytogenetic location: 10q22.1.
Variant type: single nucleotide variant.
Coding change: c.213-956G>A on transcript NM_001198800.3 (MANE Select); 956 bases into the intron before coding-DNA position 213, G replaced by A.
Molecular consequence: intron variant. On other transcripts: missense variant (1).
Genome position (GRCh38, 1-based): chr10:72,204,480, C>T on the plus strand (G>A on the coding strand, the complement: ASCC1 is on the minus strand). VCF-style: chr10-72204480-C-T. GRCh37 (hg19) VCF-style: chr10-73964238-C-T.
Other names: c.238G>A, p.Asp80Asn (NM_001198799.3); c.279-956G>A (NM_001369099.1, NM_001369086.1, NM_001369085.1); c.213-956G>A (NM_001369112.1, NM_001369108.1, NM_001369103.1 and 18 more transcripts); c.96-956G>A (NM_001369105.1, NM_001369102.1, NM_001369106.1 and 2 more transcripts); c.238G>A (NM_001198799.2); short protein forms D80N.
Identifiers: ClinVar variation 731795 (VCV000731795.13), dbSNP rs7922614, ClinGen allele CA5549102.